The following is an entry in ClinVar:

ClinVar aggregate classification (germline): Uncertain significance (1 of 4 stars; one submission).

Submission:

Labcorp Genetics (formerly Invitae), Labcorp
Classification: Uncertain significance. Last evaluated: 2023-08-10. Review status: criteria provided, single submitter. Criteria: Invitae Variant Classification Sherloc (09022015). Collection method: clinical testing. Allele origin: germline.
Comment: In summary, the available evidence is currently insufficient to determine the role of this variant in disease. Therefore, it has been classified as a Variant of Uncertain Significance. Variants that disrupt the consensus splice site are a relatively common cause of aberrant splicing (PMID: 17576681, 9536098). Algorithms developed to predict the effect of sequence changes on RNA splicing suggest that this variant is not likely to affect RNA splicing. ClinVar contains an entry for this variant (Variation ID: 2032903). This variant has not been reported in the literature in individuals affected with STAG2-related conditions. This variant is not present in population databases (gnomAD no frequency). This sequence change falls in intron 18 of the STAG2 gene. It does not directly change the encoded amino acid sequence of the STAG2 protein. It affects a nucleotide within the consensus splice site.

Literature cited by the submitters: PubMed 17576681; PubMed 9536098.

NM_001042750.2(STAG2):c.1731+3A>G

Gene: STAG2 (STAG2 cohesin complex component; plus strand). Cytogenetic location: Xq25.
Variant type: single nucleotide variant.
Coding change: c.1731+3A>G on transcript NM_001042750.2 (MANE Select); 3 bases into the intron after coding-DNA position 1731, A replaced by G.
Molecular consequence: intron variant.
Genome position (GRCh38, 1-based): chrX:124,062,997, A>G. VCF-style: chrX-124062997-A-G. GRCh37 (hg19) VCF-style: chrX-123196847-A-G.
Other names: c.1731+3A>G (NM_001042749.2, NM_001375366.1, NM_001375373.1 and 13 more transcripts).
Identifiers: ClinVar variation 2032903 (VCV002032903.4), dbSNP rs2521798699, ClinGen allele CA2580100324.